The following is an entry in ClinVar:

ClinVar aggregate classification (germline): Likely benign. Review status: criteria provided, multiple submitters, no conflicts (2 of 4 stars). 3 submissions from 3 submitters: Likely benign (2). 1 of the submissions does not count toward it. Last evaluated 2022-09-27.

Conditions:
POLD1-related polyposis and colorectal cancer syndrome (CRCS10). Also called: Colorectal cancer 10; COLORECTAL CANCER, SUSCEPTIBILITY TO, ON CHROMOSOME 19q; Colorectal cancer, susceptibility to, 10. Identifiers: Orphanet 220460, MedGen C2675481, MONDO:0012953, OMIM 612591.
Hereditary cancer-predisposing syndrome. Also called: Neoplastic Syndromes, Hereditary; Hereditary neoplastic syndrome; Tumor predisposition; Hereditary Cancer Syndrome. Identifiers: Orphanet 140162, MedGen C0027672, MeSH D009386, MONDO:0015356.
POLD1-related disorder. Also called: POLD1-related condition; POLD1-related disorders.

Allele frequency attached by ClinVar (database versions not stated): gnomAD exomes below 0.00001.
gnomAD v4.1: 1 of 1,566,530 alleles (0.000064%); highest among the groups gnomAD compares: South Asian, 0.0012%; no homozygotes.

Submissions (3):

Labcorp Genetics (formerly Invitae), Labcorp
Classification: Likely benign for POLD1-related polyposis and colorectal cancer syndrome. Last evaluated: 2022-09-27. Review status: criteria provided, single submitter. Criteria: Invitae Variant Classification Sherloc (09022015). Collection method: clinical testing. Allele origin: germline.

Ambry Genetics
Classification: Likely benign for Hereditary cancer-predisposing syndrome. Last evaluated: 2021-09-26. Review status: criteria provided, single submitter. Criteria: Ambry Variant Classification Scheme 2023. Collection method: clinical testing. Allele origin: germline.

PreventionGenetics, part of Exact Sciences
Classification: Likely benign for POLD1-related condition. Last evaluated: 2020-10-14. Review status: no assertion criteria provided. Collection method: clinical testing. Allele origin: germline. Not counted in ClinVar's aggregate classification.
Comment: This variant is classified as likely benign based on ACMG/AMP sequence variant interpretation guidelines (Richards et al. 2015 PMID: 25741868, with internal and published modifications).

NM_002691.4(POLD1):c.2784T>C (p.Ser928=)

Gene: POLD1 (DNA polymerase delta 1, catalytic subunit; plus strand). Cytogenetic location: 19q13.33.
Variant type: single nucleotide variant.
Coding change: c.2784T>C on transcript NM_002691.4 (MANE Select); coding-DNA position 2784, T replaced by C.
Protein change: p.Ser928=; no amino-acid change (serine 928 retained).
Molecular consequence: synonymous variant.
Genome position (GRCh38, 1-based): chr19:50,415,790, T>C. VCF-style: chr19-50415790-T-C. GRCh37 (hg19) VCF-style: chr19-50919047-T-C.
Other names: c.2862T>C, p.Ser954= (LRG_785t2, NM_001308632.1); c.2784T>C, p.Ser928= (LRG_785t1, NM_001256849.1).
Identifiers: ClinVar variation 469298 (VCV000469298.15), dbSNP rs1555793164, ClinGen allele CA508305148.